The following is an entry in ClinVar:

ClinVar aggregate classification (germline): Uncertain significance. Review status: criteria provided, multiple submitters, no conflicts (2 of 4 stars). 2 submissions from 2 submitters: Uncertain significance (2). Last evaluated 2024-09-27.

Conditions:
Inborn genetic diseases. Identifiers: MedGen C0950123, MeSH D030342.

Allele frequency attached by ClinVar (database versions not stated): gnomAD 0.00001; TOPMed 0.00001; ExAC 0.00005.
gnomAD v4.1: 15 of 1,610,946 alleles (0.00093%); highest among the groups gnomAD compares: Admixed American, 0.0067%; no homozygotes.

Submissions (2):

Ambry Genetics
Classification: Uncertain significance for Inborn genetic diseases. Last evaluated: 2024-09-27. Review status: criteria provided, single submitter. Criteria: Ambry Variant Classification Scheme 2023. Collection method: clinical testing. Allele origin: germline.

Labcorp Genetics (formerly Invitae), Labcorp
Classification: Uncertain significance. Last evaluated: 2023-01-16. Review status: criteria provided, single submitter. Criteria: Invitae Variant Classification Sherloc (09022015). Collection method: clinical testing. Allele origin: germline.
Comment: In summary, the available evidence is currently insufficient to determine the role of this variant in disease. Therefore, it has been classified as a Variant of Uncertain Significance. Algorithms developed to predict the effect of missense changes on protein structure and function output the following: SIFT: "Tolerated"; PolyPhen-2: "Benign"; Align-GVGD: "Class C0". The histidine amino acid residue is found in multiple mammalian species, which suggests that this missense change does not adversely affect protein function. This variant has not been reported in the literature in individuals affected with LAMA5-related conditions. This variant is present in population databases (rs772413320, gnomAD 0.01%). This sequence change replaces arginine, which is basic and polar, with histidine, which is basic and polar, at codon 1108 of the LAMA5 protein (p.Arg1108His).

NM_005560.6(LAMA5):c.3323G>A (p.Arg1108His)

Gene: LAMA5 (laminin subunit alpha 5; minus strand). Cytogenetic location: 20q13.33.
Variant type: single nucleotide variant.
Coding change: c.3323G>A on transcript NM_005560.6 (MANE Select); coding-DNA position 3323, G replaced by A.
Protein change: p.Arg1108His; replaces arginine 1108 with histidine.
Molecular consequence: missense variant.
Genome position (GRCh38, 1-based): chr20:62,332,677, C>T on the plus strand (G>A on the coding strand, the complement: LAMA5 is on the minus strand). VCF-style: chr20-62332677-C-T. GRCh37 (hg19) VCF-style: chr20-60907733-C-T.
Other names: c.3323G>A (NM_005560.3); short protein forms R1108H.
Identifiers: ClinVar variation 3015329 (VCV003015329.4), dbSNP rs772413320, ClinGen allele CA9943047.